The following is an entry in ClinVar:

NM_001379286.1(ZNF423):c.142C>T (p.Arg48Cys)

Gene: ZNF423 (zinc finger protein 423; minus strand). Cytogenetic location: 16q12.1.
Variant type: single nucleotide variant.
Coding change: c.142C>T on transcript NM_001379286.1 (MANE Select); coding-DNA position 142, C replaced by T.
Protein change: p.Arg48Cys; replaces arginine 48 with cysteine.
Molecular consequence: missense variant. On other transcripts: 5 prime UTR variant (1).
Genome position (GRCh38, 1-based): chr16:49,730,930, G>A on the plus strand (C>T on the coding strand, the complement: ZNF423 is on the minus strand). VCF-style: chr16-49730930-G-A. GRCh37 (hg19) VCF-style: chr16-49764841-G-A.
Other names: c.-63C>T (NM_001271620.2); c.118C>T, p.Arg40Cys (NM_015069.5); short protein forms R40C, R48C.
Identifiers: ClinVar variation 1466034 (VCV001466034.5), dbSNP rs765667466, ClinGen allele CA8046951.

ClinVar aggregate classification (germline): Uncertain significance (1 of 4 stars; one submission).

Conditions:
Nephronophthisis 14 (NPHP14). Identifiers: Orphanet 2318, MedGen C3539071, MONDO:0013916, OMIM 614844.

Allele frequency attached by ClinVar (database versions not stated): ExAC 0.00002; gnomAD 0.00002; gnomAD exomes 0.00003 and 0.00004; TOPMed 0.00003.
gnomAD v4.1: 46 of 1,614,116 alleles (0.0028%); highest among the groups gnomAD compares: East Asian, 0.011%; no homozygotes.

Submission:

Labcorp Genetics (formerly Invitae), Labcorp
Classification: Uncertain significance for Nephronophthisis 14. Last evaluated: 2022-06-05. Review status: criteria provided, single submitter. Criteria: Invitae Variant Classification Sherloc (09022015). Collection method: clinical testing. Allele origin: germline.
Comment: This sequence change replaces arginine, which is basic and polar, with cysteine, which is neutral and slightly polar, at codon 40 of the ZNF423 protein (p.Arg40Cys). This variant is present in population databases (rs765667466, gnomAD 0.02%). This variant has not been reported in the literature in individuals affected with ZNF423-related conditions. ClinVar contains an entry for this variant (Variation ID: 1466034). Algorithms developed to predict the effect of missense changes on protein structure and function are either unavailable or do not agree on the potential impact of this missense change (SIFT: "Deleterious"; PolyPhen-2: "Benign"; Align-GVGD: "Class C0"). In summary, the available evidence is currently insufficient to determine the role of this variant in disease. Therefore, it has been classified as a Variant of Uncertain Significance.